The following is an entry in ClinVar:

NM_012186.3(FOXE3):c.214C>T (p.Pro72Ser)

Genes: FOXE3 (forkhead box E3; plus strand), LINC01389 (long independently transcribed non-coding RNA 1389; minus strand). Cytogenetic location: 1p33.
Variant type: single nucleotide variant.
Coding change: c.214C>T on transcript NM_012186.3 (MANE Select); coding-DNA position 214, C replaced by T.
Protein change: p.Pro72Ser; replaces proline 72 with serine.
Molecular consequence: missense variant.
Genome position (GRCh38, 1-based): chr1:47,416,529, C>T. VCF-style: chr1-47416529-C-T. GRCh37 (hg19) VCF-style: chr1-47882201-C-T.
Other names: short protein forms P72S.
Identifiers: ClinVar variation 2611624 (VCV002611624.6), dbSNP rs2521316560, ClinGen allele CA340249257.

ClinVar aggregate classification (germline): Uncertain significance. Review status: criteria provided, multiple submitters, no conflicts (2 of 4 stars). 2 submissions from 2 submitters: Uncertain significance (2). Last evaluated 2025-08-26.

Conditions:
Congenital primary aphakia. Also called: Anterior segment dysgenesis 2, multiple subtypes; ANTERIOR SEGMENT DYSGENESIS 2. Identifiers: Orphanet 83461, MedGen C1853230, MONDO:0012456, OMIM 610256.
Anterior segment dysgenesis. Also called: Ocular anterior segment dysgenesis. Identifiers: Orphanet 88632, MedGen C1862839, MONDO:0019503, HP:0007700.
Cardiovascular phenotype. Identifiers: MedGen CN230736.

Submissions (2):

Labcorp Genetics (formerly Invitae), Labcorp
Classification: Uncertain significance for Anterior segment dysgenesis; Congenital primary aphakia. Last evaluated: 2025-08-26. Review status: criteria provided, single submitter. Criteria: Invitae Variant Classification Sherloc (09022015). Collection method: clinical testing. Allele origin: germline.
Comment: This sequence change replaces proline, which is neutral and non-polar, with serine, which is neutral and polar, at codon 72 of the FOXE3 protein (p.Pro72Ser). This variant is not present in population databases (gnomAD no frequency). This variant has not been reported in the literature in individuals affected with FOXE3-related conditions. ClinVar contains an entry for this variant (Variation ID: 2611624). Invitae Evidence Modeling of protein sequence and biophysical properties (such as structural, functional, and spatial information, amino acid conservation, physicochemical variation, residue mobility, and thermodynamic stability) indicates that this missense variant is expected to disrupt FOXE3 protein function with a positive predictive value of 95%. In summary, the available evidence is currently insufficient to determine the role of this variant in disease. Therefore, it has been classified as a Variant of Uncertain Significance.

Ambry Genetics
Classification: Uncertain significance for Cardiovascular phenotype. Last evaluated: 2024-04-21. Review status: criteria provided, single submitter. Criteria: Ambry Variant Classification Scheme 2023. Collection method: clinical testing. Allele origin: germline.
Comment: The p.P72S variant (also known as c.214C>T), located in coding exon 1 of the FOXE3 gene, results from a C to T substitution at nucleotide position 214. The proline at codon 72 is replaced by serine, an amino acid with similar properties. This amino acid position is conserved. In addition, this alteration is predicted to be deleterious by in silico analysis. Based on the available evidence, the clinical significance of this variant remains unclear.